The following is an entry in ClinVar:

ClinVar aggregate classification (germline): Uncertain significance (1 of 4 stars; one submission).

Conditions:
Eichsfeld type congenital muscular dystrophy (CMYO3). Also called: MYOPATHY, SEPN1-RELATED; Rigid spine muscular dystrophy 1; SELENON-related myopathy; Congenital myopathy 3 with rigid spine. Identifiers: MedGen C0410180, MONDO:0100100, OMIM 602771.

Submission:

Harry Perkins Institute Of Medical Research, University Of Western Australia
Classification: Uncertain significance for Eichsfeld type congenital muscular dystrophy. Review status: criteria provided, single submitter. Criteria: ACMG Guidelines, 2015. Collection method: research. Allele origin: biparental. Inheritance: Autosomal recessive inheritance. Affected: yes.
Comment: PM2_supporting variant absent in gnomAD, PP2_supporting (33 out of 38 non-VUS missense variants in gene SELENON are pathogenic = 86.8% which is more than threshold of 80.8%.). Homozygous missense variants are associated with SELENON-related myopathies (PMID: 34769022)

Literature cited by the submitters: PubMed 34769022.

NM_206926.2(SELENON):c.967G>A (p.Val323Met)

Gene: SELENON (selenoprotein N; plus strand). Cytogenetic location: 1p36.11.
Variant type: single nucleotide variant.
Coding change: c.967G>A on transcript NM_206926.2 (MANE Select); coding-DNA position 967, G replaced by A.
Protein change: p.Val323Met; replaces valine 323 with methionine.
Molecular consequence: missense variant.
Genome position (GRCh38, 1-based): chr1:25,811,512, G>A. VCF-style: chr1-25811512-G-A. GRCh37 (hg19) VCF-style: chr1-26138003-G-A.
Other names: c.1069G>A, p.Val357Met (NM_020451.3); short protein forms V323M, V357M.
Identifiers: ClinVar variation 4857654 (VCV004857654.1).